The following is an entry in ClinVar:

NM_001365951.3(KIF1B):c.3630C>G (p.Asn1210Lys)

Gene: KIF1B (kinesin family member 1B; plus strand). Cytogenetic location: 1p36.22.
Variant type: single nucleotide variant.
Coding change: c.3630C>G on transcript NM_001365951.3 (MANE Select); coding-DNA position 3630, C replaced by G.
Protein change: p.Asn1210Lys; replaces asparagine 1210 with lysine.
Molecular consequence: missense variant.
Genome position (GRCh38, 1-based): chr1:10,342,166, C>G. VCF-style: chr1-10342166-C-G. GRCh37 (hg19) VCF-style: chr1-10402224-C-G.
Other names: c.3630C>G, p.Asn1210Lys (NM_001365952.1); c.3492C>G, p.Asn1164Lys (NM_015074.3); short protein forms N1210K, N1164K.
Identifiers: ClinVar variation 2561692 (VCV002561692.3), dbSNP rs910542787, ClinGen allele CA338341972.

ClinVar aggregate classification (germline): Uncertain significance (1 of 4 stars; one submission).

gnomAD v4.1: 3 of 1,579,088 alleles (0.00019%); highest among the groups gnomAD compares: Non-Finnish European, 0.00026%; no homozygotes.

Submission:

Ambry Genetics
Classification: Uncertain significance. Last evaluated: 2025-05-02. Review status: criteria provided, single submitter. Criteria: Ambry Variant Classification Scheme 2023. Collection method: clinical testing. Allele origin: germline.
Comment: The p.N1164K variant (also known as c.3492C>G), located in coding exon 30 of the KIF1B gene, results from a C to G substitution at nucleotide position 3492. The asparagine at codon 1164 is replaced by lysine, an amino acid with similar properties. This amino acid position is not well conserved in available vertebrate species. In addition, this alteration is predicted to be tolerated by in silico analysis. The evidence for this gene-disease relationship is limited; therefore, the clinical significance of this alteration is unclear.